The following is an entry in ClinVar:

NM_018206.6(VPS35):c.915-16dup

Gene: VPS35 (VPS35 retromer complex component; minus strand). Cytogenetic location: 16q11.2.
Variant type: Duplication.
Coding change: c.915-16dup on transcript NM_018206.6 (MANE Select); 16 bases into the intron before coding-DNA position 915, one base duplicated (T; older notation c.915-16dupT).
Molecular consequence: intron variant.
Genome position (GRCh38, 1-based): chr16:46,674,663, A duplicated on the plus strand (T on the coding strand, the reverse complement: VPS35 is on the minus strand); the first of 14 consecutive A bases (chr16:46,674,663-46,674,676); duplicating any one gives the same sequence. VCF-style (leftmost placement, unchanged base first): chr16-46674662-T-TA. GRCh37 (hg19) VCF-style: chr16-46708574-T-TA.
Other names: p.?; c.915-3dup (NM_018206.6).
Identifiers: ClinVar variation 1189969 (VCV001189969.4), dbSNP rs569369937, ClinGen allele CA8036932.
Genomic context (GRCh38, chr16:46,674,662, plus strand): 5'-AAAGTTTAATATCCGCTGGGATTCCAGGTCCATCTTCACGGTGAGCAAATAAAGCTAATC[T>TA]AAAAAAAAAAAAAACACCCCTTTATTTTAAAAGATACAGGGTTTGGGTAGTGAGATCATG-3'

ClinVar aggregate classification (germline): Benign/Likely benign. Review status: criteria provided, multiple submitters, no conflicts (2 of 4 stars). 3 submissions from 3 submitters: Benign (1); Likely benign (2). Last evaluated 2024-11-27.

Submissions (3):

Blueprint Genetics
Classification: Likely benign. Last evaluated: 2024-11-27. Review status: criteria provided, single submitter. Criteria: ACMG Guidelines, 2015. Collection method: clinical testing. Allele origin: germline.

Mayo Clinic Laboratories, Mayo Clinic
Classification: Benign. Last evaluated: 2023-03-16. Review status: criteria provided, single submitter. Criteria: ACMG Guidelines, 2015. Collection method: clinical testing. Allele origin: germline. Observed: 30 variant alleles.
Comment: BA1, BP4, BP7

GeneDx
Classification: Likely benign. Last evaluated: 2019-08-06. Review status: criteria provided, single submitter. Criteria: GeneDx Variant Classification Process June 2021. Collection method: clinical testing. Allele origin: germline. Affected: yes.